The following is an entry in ClinVar:

NM_012282.4(KCNE5):c.223G>A (p.Gly75Arg)

Gene: KCNE5 (potassium voltage-gated channel subfamily E regulatory subunit 5; minus strand). Cytogenetic location: Xq23.
Variant type: single nucleotide variant.
Coding change: c.223G>A on transcript NM_012282.4 (MANE Select); coding-DNA position 223, G replaced by A.
Protein change: p.Gly75Arg; replaces glycine 75 with arginine.
Molecular consequence: missense variant.
Genome position (GRCh38, 1-based): chrX:109,624,798, C>T on the plus strand (G>A on the coding strand, the complement: KCNE5 is on the minus strand). VCF-style: chrX-109624798-C-T. GRCh37 (hg19) VCF-style: chrX-108868027-C-T.
Other names: short protein forms G75R.
Identifiers: ClinVar variation 2349913 (VCV002349913.3), dbSNP rs1415457258, ClinGen allele CA414213587.

ClinVar aggregate classification (germline): Uncertain significance (1 of 4 stars; one submission).

Allele frequency attached by ClinVar (database versions not stated): TOPMed 0.00002; gnomAD 0.00001; gnomAD exomes 0.00001.
gnomAD v4.1: 16 of 1,211,128 alleles (0.0013%); highest among the groups gnomAD compares: Non-Finnish European, 0.0018%; no homozygotes.

Submission:

Ambry Genetics
Classification: Uncertain significance. Last evaluated: 2026-06-06. Review status: criteria provided, single submitter. Criteria: Ambry Variant Classification Scheme 2023. Collection method: clinical testing. Allele origin: germline.
Comment: The p.G75R variant (also known as c.223G>A), located in coding exon 1 of the KCNE5 gene, results from a G to A substitution at nucleotide position 223. The glycine at codon 75 is replaced by arginine, an amino acid with dissimilar properties. This amino acid position is conserved. In addition, the in silico prediction for this alteration is inconclusive. Based on the available evidence, the clinical significance of this variant remains unclear.